The following is an entry in ClinVar:

NM_020760.4(HECW2):c.3000+7C>T

Gene: HECW2 (HECT, C2 and WW domain containing E3 ubiquitin protein ligase 2; minus strand). Cytogenetic location: 2q32.3.
Variant type: single nucleotide variant.
Coding change: c.3000+7C>T on transcript NM_020760.4; 7 bases into the intron after coding-DNA position 3000, C replaced by T.
Genome position (GRCh38, 1-based): chr2:196,292,558, G>A on the plus strand (C>T on the coding strand, the complement: HECW2 is on the minus strand). VCF-style: chr2-196292558-G-A. GRCh37 (hg19) VCF-style: chr2-197157282-G-A.
Other names: c.3000+7C>T (NM_001348768.2); c.1932+7C>T (NM_001304840.3).
Identifiers: ClinVar variation 746967 (VCV000746967.30), dbSNP rs200874055, ClinGen allele CA2037906.

ClinVar aggregate classification (germline): Benign/Likely benign. Review status: criteria provided, multiple submitters, no conflicts (2 of 4 stars). 5 submissions from 5 submitters: Benign (2); Likely benign (2). 1 of the submissions does not count toward it. Last evaluated 2024-11-26.

Conditions:
HECW2-related disorder. Also called: HECW2-related condition.

Allele frequency attached by ClinVar (database versions not stated): 1000 Genomes Project 30x 0.00031; 1000 Genomes Project 0.00040; gnomAD 0.00041; TOPMed 0.00079; ESP Exome Variant Server 0.00115.
gnomAD v4.1: 1,085 of 1,609,344 alleles (0.067%); highest among the groups gnomAD compares: Admixed American, 0.075%; 7 homozygotes.

Submissions (5):

Blueprint Genetics
Classification: Likely benign. Last evaluated: 2024-11-26. Review status: criteria provided, single submitter. Criteria: ACMG Guidelines, 2015. Collection method: clinical testing. Allele origin: germline.

CeGaT Center for Human Genetics Tuebingen
Classification: Likely benign. Last evaluated: 2024-02-01. Review status: criteria provided, single submitter. Criteria: CeGaT Center For Human Genetics Tuebingen Variant Classification Criteria Version 2. Collection method: clinical testing. Allele origin: germline. Affected: yes. Observed: 1 variant allele.
Comment: HECW2: BP4, BS1

Labcorp Genetics (formerly Invitae), Labcorp
Classification: Benign. Last evaluated: 2019-12-31. Review status: criteria provided, single submitter. Criteria: Invitae Variant Classification Sherloc (09022015). Collection method: clinical testing. Allele origin: germline.

Breakthrough Genomics
Classification: Benign. Review status: criteria provided, single submitter. Criteria: ACMG Guidelines, 2015. Collection method: not provided. Allele origin: germline. Inheritance: Autosomal dominant inheritance. Affected: yes.

PreventionGenetics, part of Exact Sciences
Classification: Benign for HECW2-related condition. Last evaluated: 2019-06-26. Review status: no assertion criteria provided. Collection method: clinical testing. Allele origin: germline. Not counted in ClinVar's aggregate classification.
Comment: This variant is classified as benign based on ACMG/AMP sequence variant interpretation guidelines (Richards et al. 2015 PMID: 25741868, with internal and published modifications).